The following is an entry in ClinVar:

NM_001003800.2(BICD2):c.989C>G (p.Pro330Arg)

Gene: BICD2 (BICD cargo adaptor 2; minus strand). Cytogenetic location: 9q22.31.
Variant type: single nucleotide variant.
Coding change: c.989C>G on transcript NM_001003800.2 (MANE Select); coding-DNA position 989, C replaced by G.
Protein change: p.Pro330Arg; replaces proline 330 with arginine.
Molecular consequence: missense variant.
Genome position (GRCh38, 1-based): chr9:92,720,373, G>C on the plus strand (C>G on the coding strand, the complement: BICD2 is on the minus strand). VCF-style: chr9-92720373-G-C. GRCh37 (hg19) VCF-style: chr9-95482655-G-C.
Other names: c.989C>G (NM_001003800.1); c.989C>G, p.Pro330Arg (NM_015250.4); short protein forms P330R.
Identifiers: ClinVar variation 2172070 (VCV002172070.5), dbSNP rs1564060970, ClinGen allele CA374042690.
Genomic context (GRCh38, chr9:92,720,373, plus strand): 5'-TGCTTCAGCTTCTGGATCTCAGAGATGTTGAGCTCACTGAGTAGGTCGGAGACGAGGCTG[G>C]GGGAGGGCGGTGCGAGGCCCTCCTTCTTGGGCGTGGAGGTCTTGTTGTCCAGTGGCAGCT-3'
Protein context (NP_001003800.1, residues 320-340): PKKEGLAPPS[Pro330Arg]SLVSDLLSEL

ClinVar aggregate classification (germline): Uncertain significance. Review status: criteria provided, multiple submitters, no conflicts (2 of 4 stars). 2 submissions from 2 submitters: Uncertain significance (2). Last evaluated 2025-07-08.

Conditions:
Autosomal dominant childhood-onset proximal spinal muscular atrophy with contractures (SMALED2A). Also called: Spinal muscular atrophy, lower extremity-predominant, 2A, autosomal dominant; SPINAL MUSCULAR ATROPHY, LOWER EXTREMITY-PREDOMINANT, 2A, CHILDHOOD ONSET, AUTOSOMAL DOMINANT. Identifiers: Orphanet 363447, Orphanet 363454, MedGen C4747715, MONDO:0014121, OMIM 615290.

gnomAD v4.1: 2 of 1,614,088 alleles (0.00012%); highest among the groups gnomAD compares: Non-Finnish European, 0.00017%; no homozygotes.

Submissions (2):

GeneDx
Classification: Uncertain significance. Last evaluated: 2025-07-08. Review status: criteria provided, single submitter. Criteria: GeneDx Variant Classification Process June 2021. Collection method: clinical testing. Allele origin: germline. Affected: yes.
Comment: Not observed at significant frequency in large population cohorts (gnomAD); In silico analysis supports that this missense variant has a deleterious effect on protein structure/function; Has not been previously published as pathogenic or benign to our knowledge

Labcorp Genetics (formerly Invitae), Labcorp
Classification: Uncertain significance for Autosomal dominant childhood-onset proximal spinal muscular atrophy with contractures. Last evaluated: 2022-08-30. Review status: criteria provided, single submitter. Criteria: Invitae Variant Classification Sherloc (09022015). Collection method: clinical testing. Allele origin: germline.
Comment: This sequence change replaces proline, which is neutral and non-polar, with arginine, which is basic and polar, at codon 330 of the BICD2 protein (p.Pro330Arg). This variant is not present in population databases (gnomAD no frequency). This variant has not been reported in the literature in individuals affected with BICD2-related conditions. Advanced modeling of protein sequence and biophysical properties (such as structural, functional, and spatial information, amino acid conservation, physicochemical variation, residue mobility, and thermodynamic stability) performed at Invitae indicates that this missense variant is not expected to disrupt BICD2 protein function. In summary, the available evidence is currently insufficient to determine the role of this variant in disease. Therefore, it has been classified as a Variant of Uncertain Significance.